The following is an entry in ClinVar:

ClinVar aggregate classification (germline): Uncertain significance (1 of 4 stars; one submission).

Submission:

Labcorp Genetics (formerly Invitae), Labcorp
Classification: Uncertain significance. Last evaluated: 2025-12-15. Review status: criteria provided, single submitter. Criteria: Invitae Variant Classification Sherloc (09022015). Collection method: clinical testing. Allele origin: germline.
Comment: This sequence change replaces valine, which is neutral and non-polar, with isoleucine, which is neutral and non-polar, at codon 263 of the RAI1 protein (p.Val263Ile). This variant is not present in population databases (gnomAD no frequency). This variant has not been reported in the literature in individuals affected with RAI1-related conditions. ClinVar contains an entry for this variant (Variation ID: 2048198). Invitae Evidence Modeling of protein sequence and biophysical properties (such as structural, functional, and spatial information, amino acid conservation, physicochemical variation, residue mobility, and thermodynamic stability) indicates that this missense variant is expected to disrupt RAI1 protein function with a positive predictive value of 80%. In summary, the available evidence is currently insufficient to determine the role of this variant in disease. Therefore, it has been classified as a Variant of Uncertain Significance.

NM_030665.4(RAI1):c.787G>A (p.Val263Ile)

Gene: RAI1 (retinoic acid induced 1; plus strand). Cytogenetic location: 17p11.2.
Variant type: single nucleotide variant.
Coding change: c.787G>A on transcript NM_030665.4 (MANE Select); coding-DNA position 787, G replaced by A.
Protein change: p.Val263Ile; replaces valine 263 with isoleucine.
Molecular consequence: missense variant.
Genome position (GRCh38, 1-based): chr17:17,793,735, G>A. VCF-style: chr17-17793735-G-A. GRCh37 (hg19) VCF-style: chr17-17697049-G-A.
Other names: short protein forms V263I.
Identifiers: ClinVar variation 2048198 (VCV002048198.4), dbSNP rs2508571227, ClinGen allele CA398546197.